The following is an entry in ClinVar:

ClinVar aggregate classification (germline): Likely benign. Review status: criteria provided, multiple submitters, no conflicts (2 of 4 stars). 2 submissions from 2 submitters: Likely benign (2). Last evaluated 2026-06-01.

Conditions:
SIX5-related disorder. Also called: SIX5-related condition.

Allele frequency attached by ClinVar (database versions not stated): gnomAD exomes 0.00008 and 0.00035; ESP Exome Variant Server 0.00065; gnomAD 0.00088 and 0.00091; 1000 Genomes Project 30x 0.00156; 1000 Genomes Project 0.00160; ExAC 0.00163.

Submissions (2):

PreventionGenetics, part of Exact Sciences
Classification: Likely benign for SIX5-related condition. Last evaluated: 2026-06-01. Review status: criteria provided, single submitter. Criteria: ACMG Guidelines, 2015. Collection method: clinical testing. Allele origin: germline.
Comment: This variant is classified as likely benign based on ACMG/AMP sequence variant interpretation guidelines (Richards et al. 2015 PMID: 25741868, with internal and published modifications).

Labcorp Genetics (formerly Invitae), Labcorp
Classification: Likely benign. Last evaluated: 2026-01-19. Review status: criteria provided, single submitter. Criteria: Invitae Variant Classification Sherloc (09022015). Collection method: clinical testing. Allele origin: germline.

NM_175875.5(SIX5):c.1449G>C (p.Gln483His)

Gene: SIX5 (SIX homeobox 5; minus strand). Cytogenetic location: 19q13.32.
Variant type: single nucleotide variant.
Coding change: c.1449G>C on transcript NM_175875.5 (MANE Select); coding-DNA position 1449, G replaced by C.
Protein change: p.Gln483His; replaces glutamine 483 with histidine.
Molecular consequence: missense variant.
Genome position (GRCh38, 1-based): chr19:45,766,510, C>G on the plus strand (G>C on the coding strand, the complement: SIX5 is on the minus strand). VCF-style: chr19-45766510-C-G. GRCh37 (hg19) VCF-style: chr19-46269768-C-G.
Other names: c.1449G>C (NM_175875.4); short protein forms Q483H.
Identifiers: ClinVar variation 1602681 (VCV001602681.9), dbSNP rs368646606, ClinGen allele CA9520622.